The following is an entry in ClinVar:

NM_006623.4(PHGDH):c.1112G>T (p.Ser371Ile)

Gene: PHGDH (phosphoglycerate dehydrogenase; plus strand). Cytogenetic location: 1p12.
Variant type: single nucleotide variant.
Coding change: c.1112G>T on transcript NM_006623.4 (MANE Select); coding-DNA position 1112, G replaced by T.
Protein change: p.Ser371Ile; replaces serine 371 with isoleucine.
Molecular consequence: missense variant.
Genome position (GRCh38, 1-based): chr1:119,741,800, G>T. VCF-style: chr1-119741800-G-T. GRCh37 (hg19) VCF-style: chr1-120284423-G-T.
Other names: short protein forms S371I.
Identifiers: ClinVar variation 4771299 (VCV004771299.1).
Genomic context (GRCh38, chr1:119,741,800, plus strand): 5'-CTCATGGTAGCTTCTCTCTGTCCCCAGGAACATCCCTGAAGAATGCTGGGAACTGCCTAA[G>T]CCCCGCAGTCATTGTCGGCCTCCTGAAAGAGGCTTCCAAGCAGGCGGATGTGAACTTGGT-3'
Protein context (NP_006614.2, residues 361-381): TSLKNAGNCL[Ser371Ile]PAVIVGLLKE

ClinVar aggregate classification (germline): Uncertain significance (1 of 4 stars; one submission).

Conditions:
PHGDH deficiency. Identifiers: Orphanet 79351, MedGen C1866174, MONDO:0011152, OMIM 601815.

gnomAD v4.1: 6 of 1,612,612 alleles (0.00037%); highest among the groups gnomAD compares: Non-Finnish European, 0.00051%; no homozygotes.

Submission:

Labcorp Genetics (formerly Invitae), Labcorp
Classification: Uncertain significance for PHGDH deficiency. Last evaluated: 2025-03-25. Review status: criteria provided, single submitter. Criteria: Invitae Variant Classification Sherloc (09022015). Collection method: clinical testing. Allele origin: germline.
Comment: This sequence change replaces serine, which is neutral and polar, with isoleucine, which is neutral and non-polar, at codon 371 of the PHGDH protein (p.Ser371Ile). This variant is present in population databases (no rsID available, gnomAD 0.0009%). This variant has not been reported in the literature in individuals affected with PHGDH-related conditions. Invitae Evidence Modeling of protein sequence and biophysical properties (such as structural, functional, and spatial information, amino acid conservation, physicochemical variation, residue mobility, and thermodynamic stability) has been performed for this missense variant. However, the output from this modeling did not meet the statistical confidence thresholds required to predict the impact of this variant on PHGDH protein function. In summary, the available evidence is currently insufficient to determine the role of this variant in disease. Therefore, it has been classified as a Variant of Uncertain Significance.